The following is an entry in ClinVar:

NM_001330260.2(SCN8A):c.2540G>C (p.Arg847Pro)

Gene: SCN8A (sodium voltage-gated channel alpha subunit 8; plus strand). Cytogenetic location: 12q13.13.
Variant type: single nucleotide variant.
Coding change: c.2540G>C on transcript NM_001330260.2 (MANE Select); coding-DNA position 2540, G replaced by C.
Protein change: p.Arg847Pro; replaces arginine 847 with proline.
Molecular consequence: missense variant.
Genome position (GRCh38, 1-based): chr12:51,762,672, G>C. VCF-style: chr12-51762672-G-C. GRCh37 (hg19) VCF-style: chr12-52156456-G-C.
Other names: c.2540G>C, p.Arg847Pro (NM_001177984.3, NM_001369788.1, NM_014191.4); short protein forms R847P.
Identifiers: ClinVar variation 4685498 (VCV004685498.1).

ClinVar aggregate classification (germline): Pathogenic (1 of 4 stars; one submission).

Conditions:
Cognitive impairment with or without cerebellar ataxia (CIAT). Identifiers: MedGen C3280415, MONDO:0013680, OMIM 614306.

Submission:

Imagene.me medical diagnostic laboratory, IMAGENE.ME SA
Classification: Pathogenic for Cognitive impairment with or without cerebellar ataxia. Review status: criteria provided, single submitter. Criteria: IMAGENE.ME Variant Classification SOP 2022. Collection method: clinical testing. Allele origin: de novo. Affected: yes.
Comment: Classified according to the IMAGENE.ME variant classification SOP based on the ACMG guidelines as Pathogenic (P): PS2 + PM1 + PM2 + PP3_Moderate + PP2 + PP4